The following continues an entry in ClinVar:

NM_000059.4(BRCA2):c.793+1G>A

Gene: BRCA2. ClinVar aggregate classification (germline): Pathogenic/Likely pathogenic. Pathogenic (19); Likely pathogenic (1).

Submissions 9 to 21 of 21:

Color Diagnostics, LLC DBA Color Health
Classification: Pathogenic for Hereditary cancer-predisposing syndrome. Last evaluated: 2023-11-09. Review status: criteria provided, single submitter. Criteria: ACMG Guidelines, 2015. Collection method: clinical testing. Allele origin: germline.
Comment: This variant causes a G to A nucleotide substitution at the +1 position of intron 9 of the BRCA2 gene. Splice site prediction tools predict that this variant may have a significant impact on RNA splicing. Although this prediction has not been confirmed in published RNA studies, this variant is expected to result in an absent or disrupted protein product. A variant at the same position, 793+1G>T, has been reported in RNA studies to result in exon 9 skipping and a premature translation stop signal (PMID: 30883759). This variant has been reported in four individuals affected with breast and/or ovarian cancer (PMID: 31125106, 35264596, 36980780, 3723905) and in four families among the CIMBA participants (PMID: 29446198). This variant has been reported in a multifactorial analysis with segregation, tumor pathology, co-occurrence and family history likelihood ratios for pathogenicity of 1.862, 1.07, 1.050 and 0.920, respectively (PMID: 31131967). This variant has been identified in 1/31208 chromosomes in the general population by the Genome Aggregation Database (gnomAD). Loss of BRCA2 function is a known mechanism of disease. Based on the available evidence, this variant is classified as Pathogenic.

KCCC/NGS Laboratory, Kuwait Cancer Control Center
Classification: Pathogenic for Breast-ovarian cancer, familial, susceptibility to, 2. Last evaluated: 2023-06-06. Review status: criteria provided, single submitter. Criteria: ACMG Guidelines, 2015. Collection method: clinical testing. Allele origin: germline. Affected: yes.
Comment: affects a donor splice site in intron 9 of the BRCA2 gene. It is expected to disrupt RNA splicing and likely results in an absent or disrupted protein product. This variant has not been reported in the literature in individuals with a BRCA2-related disease. ClinVar contains an entry for this variant (Variation ID: 52437) with 8 submissions describing this variant as either pathogenic or likely pathogenic. In summary, donor and acceptor splice site variants are typically truncating (PMID: 16199547), and truncating variants in BRCA2 are known to be pathogenic (PMID: 20104584). Therefore, this variant has been classified as pathogenic.

Baylor Genetics
Classification: Pathogenic for Familial cancer of breast. Last evaluated: 2022-08-24. Review status: criteria provided, single submitter. Criteria: ACMG Guidelines, 2015. Collection method: clinical testing. Allele origin: unknown.

Clinical Genetics Laboratory, Skane University Hospital Lund
Classification: Likely pathogenic. Last evaluated: 2022-05-27. Review status: criteria provided, single submitter. Criteria: ACMG Guidelines, 2015. Collection method: clinical testing. Allele origin: germline. Affected: yes.

Revvity Omics, Revvity
Classification: Pathogenic. Last evaluated: 2022-05-25. Review status: criteria provided, single submitter. Criteria: ACMG Guidelines, 2015. Collection method: clinical testing. Allele origin: germline.

Sema4
Classification: Pathogenic for Hereditary cancer-predisposing syndrome. Last evaluated: 2021-11-01. Review status: criteria provided, single submitter. Criteria: Sema4 Curation Guidelines. Collection method: curation. Allele origin: germline.
Comment: The BRCA2 c.793+1G>A variant has been reported in heterozygosity in numerous individuals with a personal and/or family history of breast, ovarian and pancreatic cancer (PMID: 29483665, 29506128, 29446198, 31159747, 31159747, 34567246, among others). This variant is a well-established pathogenic variant associated with hereditary breast and ovarian cancer syndrome (PMID: 29446198). This variant affects a nucleotide within a consensus splice site of an intron. This variant may cause exon skipping, intron retention or use of a cryptic splice site, resulting in an abnormal protein or a transcript that is subject to nonsense-mediated mRNA decay. This variant was observed in 1/31208 chromosomes in the Genome Aggregation Database (PMID: 32461654). This variant has been reported in ClinVar (Variation ID: 52437). Based on the current evidence available, this variant is interpreted as pathogenic.

Department of Molecular Diagnostics, Institute of Oncology Ljubljana
Classification: Pathogenic for Breast-ovarian cancer, familial, susceptibility to, 1. Last evaluated: 2020-04-02. Review status: criteria provided, single submitter. Criteria: ACMG Guidelines, 2015. Collection method: clinical testing. Allele origin: germline. Affected: yes.

GeneKor MSA
Classification: Pathogenic. Last evaluated: 2020-01-01. Review status: criteria provided, single submitter. Criteria: ACMG Guidelines, 2015. Collection method: clinical testing. Allele origin: germline.
Comment: This mutation, which occurs in the first base of intron 9 of the BRCA2 gene, results in incorrect splicing of the mRNA produced by this allele and alteration of the reading frame. This mutation has been described in international bibliography, as pathogenic.

Mendelics
Classification: Pathogenic for Hereditary breast and ovarian cancer syndrome. Last evaluated: 2018-07-02. Review status: criteria provided, single submitter. Criteria: Mendelics Assertion Criteria 2017. Collection method: clinical testing. Allele origin: unknown.

Consortium of Investigators of Modifiers of BRCA1/2 (CIMBA), c/o University of Cambridge
Classification: Pathogenic for Breast-ovarian cancer, familial, susceptibility to, 2. Last evaluated: 2015-10-02. Review status: criteria provided, single submitter. Criteria: CIMBA Mutation Classification guidelines May 2016. Collection method: clinical testing. Allele origin: germline.

Department of Pathology and Laboratory Medicine, Sinai Health System
Classification: Pathogenic for Hereditary breast ovarian cancer syndrome. Review status: criteria provided, single submitter. Criteria: ACMG Guidelines, 2015. Collection method: clinical testing. Allele origin: germline. Affected: yes. Study: The Canadian Open Genetics Repository (COGR).

Genesis Genomics
Classification: Pathogenic for Breast-ovarian cancer, familial, susceptibility to, 2. Review status: criteria provided, single submitter. Criteria: ACMG Guidelines, 2015. Collection method: clinical testing. Allele origin: germline. Affected: no. Observed: 4 variant alleles.

Breast Cancer Information Core (BIC) (BRCA2)
Classification: Pathogenic for Breast-ovarian cancer, familial 2. Last evaluated: 2002-05-29. Review status: no assertion criteria provided. Collection method: clinical testing. Allele origin: germline. Affected: yes. Observed: 1 variant allele. Not counted in ClinVar's aggregate classification.

Literature cited by the submitters: PubMed 29506128 (cited by 3 submitters); PubMed 35264596 (cited by 3 submitters); PubMed 34567246 (cited by Women's Health and Genetics/Laboratory Corporation of America, LabCorp and Sema4); PubMed 30883759 (cited by 5 submitters); PubMed 23961350 (cited by Labcorp Genetics (formerly Invitae), Labcorp); PubMed 29093764 (cited by Labcorp Genetics (formerly Invitae), Labcorp); PubMed 29446198 (cited by 4 submitters); PubMed 29483665 (cited by 3 submitters); PubMed 31159747 (cited by Ambry Genetics and Sema4); PubMed 3723905 (cited by All of Us Research Program, National Institutes of Health and Color Diagnostics, LLC DBA Color Health); PubMed 31125106 (cited by All of Us Research Program, National Institutes of Health and Color Diagnostics, LLC DBA Color Health); PubMed 31131967 (cited by All of Us Research Program, National Institutes of Health and Color Diagnostics, LLC DBA Color Health); PubMed 36980780 (cited by All of Us Research Program, National Institutes of Health and Color Diagnostics, LLC DBA Color Health).